The following is an entry in ClinVar:

ClinVar aggregate classification (germline): Uncertain significance. Review status: criteria provided, multiple submitters, no conflicts (2 of 4 stars). 2 submissions from 2 submitters: Uncertain significance (2). Last evaluated 2024-01-15.

Allele frequency attached by ClinVar (database versions not stated): gnomAD exomes 0.00001; ExAC 0.00002; gnomAD 0.00002; TOPMed 0.00003; ESP Exome Variant Server 0.00008.
gnomAD v4.1: 7 of 1,613,984 alleles (0.00043%); highest among the groups gnomAD compares: African/African-American, 0.0093%; no homozygotes.

Submissions (2):

Mayo Clinic Laboratories, Mayo Clinic
Classification: Uncertain significance. Last evaluated: 2024-01-15. Review status: criteria provided, single submitter. Criteria: ACMG Guidelines, 2015. Collection method: clinical testing. Allele origin: germline. Observed: 1 variant allele.
Comment: PM2_moderate

Ambry Genetics
Classification: Uncertain significance. Last evaluated: 2022-11-09. Review status: criteria provided, single submitter. Criteria: Ambry Variant Classification Scheme 2023. Collection method: clinical testing. Allele origin: germline.

NM_002197.3(ACO1):c.2491G>C (p.Gly831Arg)

Gene: ACO1 (aconitase 1; plus strand). Cytogenetic location: 9p21.1.
Variant type: single nucleotide variant.
Coding change: c.2491G>C on transcript NM_002197.3 (MANE Select); coding-DNA position 2491, G replaced by C.
Protein change: p.Gly831Arg; replaces glycine 831 with arginine.
Molecular consequence: missense variant.
Genome position (GRCh38, 1-based): chr9:32,449,016, G>C. VCF-style: chr9-32449016-G-C. GRCh37 (hg19) VCF-style: chr9-32449014-G-C.
Other names: p.Gly831Arg; c.2491G>C, p.Gly831Arg (NM_001278352.2, NM_001362840.2); c.2491G>C (NM_001278352.1); short protein forms G831R.
Identifiers: ClinVar variation 3137124 (VCV003137124.2), dbSNP rs374312972, ClinGen allele CA5019307.